The following is an entry in ClinVar:

NM_014014.5(SNRNP200):c.1645C>G (p.Gln549Glu)

Gene: SNRNP200 (small nuclear ribonucleoprotein U5 subunit 200; minus strand). Cytogenetic location: 2q11.2.
Variant type: single nucleotide variant.
Coding change: c.1645C>G on transcript NM_014014.5 (MANE Select); coding-DNA position 1645, C replaced by G.
Protein change: p.Gln549Glu; replaces glutamine 549 with glutamic acid.
Molecular consequence: missense variant.
Genome position (GRCh38, 1-based): chr2:96,296,562, G>C on the plus strand (C>G on the coding strand, the complement: SNRNP200 is on the minus strand). VCF-style: chr2-96296562-G-C. GRCh37 (hg19) VCF-style: chr2-96962300-G-C.
Other names: short protein forms Q549E.
Identifiers: ClinVar variation 1381881 (VCV001381881.6), dbSNP rs2104356633, ClinGen allele CA347681926.

ClinVar aggregate classification (germline): Pathogenic (1 of 4 stars; one submission).

Submission:

Labcorp Genetics (formerly Invitae), Labcorp
Classification: Pathogenic. Last evaluated: 2023-08-17. Review status: criteria provided, single submitter. Criteria: Invitae Variant Classification Sherloc (09022015). Collection method: clinical testing. Allele origin: germline.
Comment: ClinVar contains an entry for this variant (Variation ID: 1381881). This missense change has been observed in individual(s) with clinical features of retinitis pigmentosa (Invitae). In at least one individual the variant was observed to be de novo. This variant is not present in population databases (gnomAD no frequency). This sequence change replaces glutamine, which is neutral and polar, with glutamic acid, which is acidic and polar, at codon 549 of the SNRNP200 protein (p.Gln549Glu). For these reasons, this variant has been classified as Pathogenic. Advanced modeling of protein sequence and biophysical properties (such as structural, functional, and spatial information, amino acid conservation, physicochemical variation, residue mobility, and thermodynamic stability) performed at Invitae indicates that this missense variant is expected to disrupt SNRNP200 protein function.